The following is an entry in ClinVar:

NM_001378964.1(CDON):c.1603G>A (p.Ala535Thr)

Gene: CDON (cell adhesion associated, oncogene regulated; minus strand). Cytogenetic location: 11q24.2.
Variant type: single nucleotide variant.
Coding change: c.1603G>A on transcript NM_001378964.1 (MANE Select); coding-DNA position 1603, G replaced by A.
Protein change: p.Ala535Thr; replaces alanine 535 with threonine.
Molecular consequence: missense variant.
Genome position (GRCh38, 1-based): chr11:126,006,007, C>T on the plus strand (G>A on the coding strand, the complement: CDON is on the minus strand). VCF-style: chr11-126006007-C-T. GRCh37 (hg19) VCF-style: chr11-125875902-C-T.
Other names: c.1603G>A, p.Ala535Thr (NM_001243597.3, NM_016952.6); short protein forms A535T.
Identifiers: ClinVar variation 303516 (VCV000303516.22), dbSNP rs76247998, ClinGen allele CA6351986.

ClinVar aggregate classification (germline): Benign. Review status: criteria provided, multiple submitters, no conflicts (2 of 4 stars). 5 submissions from 5 submitters: Benign (5). Last evaluated 2026-01-19.

Conditions:
Holoprosencephaly 11 (HPE11). Identifiers: Orphanet 2162, MedGen C3280215, MONDO:0013642, OMIM 614226.

Allele frequency attached by ClinVar (database versions not stated): gnomAD 0.02169 and 0.02319; TOPMed 0.02368; 1000 Genomes Project 0.02396; 1000 Genomes Project 30x 0.02592; ESP Exome Variant Server 0.02615.
gnomAD v4.1: 6,585 of 1,614,058 alleles (0.41%); highest among the groups gnomAD compares: African/African-American, 7.8%; 266 homozygotes.

Submissions (5):

Labcorp Genetics (formerly Invitae), Labcorp
Classification: Benign for Holoprosencephaly 11. Last evaluated: 2026-01-19. Review status: criteria provided, single submitter. Criteria: Invitae Variant Classification Sherloc (09022015). Collection method: clinical testing. Allele origin: germline.

ARUP Laboratories, Molecular Genetics and Genomics, ARUP Laboratories
Classification: Benign for Holoprosencephaly 11. Last evaluated: 2023-09-21. Review status: criteria provided, single submitter. Criteria: ARUP Molecular Germline Variant Investigation Process 2024. Collection method: clinical testing. Allele origin: germline.

GeneDx
Classification: Benign. Last evaluated: 2019-05-26. Review status: criteria provided, single submitter. Criteria: GeneDx Variant Classification Process June 2021. Collection method: clinical testing. Allele origin: germline. Affected: yes.

Illumina Laboratory Services, Illumina
Classification: Benign for Holoprosencephaly 11. Last evaluated: 2018-01-13. Review status: criteria provided, single submitter. Criteria: ICSL Variant Classification Criteria 13 December 2019. Collection method: clinical testing. Allele origin: germline.
Comment: This variant was observed in the ICSL laboratory as part of a predisposition screen in an ostensibly healthy population. It had not been previously curated by ICSL or reported in the Human Gene Mutation Database (HGMD: prior to June 1st, 2018), and was therefore a candidate for classification through an automated scoring system. Utilizing variant allele frequency, disease prevalence and penetrance estimates, and inheritance mode, an automated score was calculated to assess if this variant is too frequent to cause the disease. Based on the score and internal cut-off values, a variant classified as benign is not then subjected to further curation. The score for this variant resulted in a classification of benign for this disease.

Breakthrough Genomics
Classification: Benign. Review status: criteria provided, single submitter. Criteria: ACMG Guidelines, 2015. Collection method: not provided. Allele origin: germline. Inheritance: Autosomal dominant inheritance. Affected: yes.